The following is an entry in ClinVar:

NM_006206.6(PDGFRA):c.3161C>T (p.Ser1054Phe)

Gene: PDGFRA (platelet derived growth factor receptor alpha; plus strand). Cytogenetic location: 4q12.
Variant type: single nucleotide variant.
Coding change: c.3161C>T on transcript NM_006206.6 (MANE Select); coding-DNA position 3161, C replaced by T.
Protein change: p.Ser1054Phe; replaces serine 1054 with phenylalanine.
Molecular consequence: missense variant.
Genome position (GRCh38, 1-based): chr4:54,295,163, C>T. VCF-style: chr4-54295163-C-T. GRCh37 (hg19) VCF-style: chr4-55161330-C-T.
Other names: c.3236C>T, p.Ser1079Phe (NM_001347828.2); c.3161C>T, p.Ser1054Phe (NM_001347829.2); c.3200C>T, p.Ser1067Phe (NM_001347830.2); short protein forms S1054F, S1067F, S1079F.
Identifiers: ClinVar variation 1728314 (VCV001728314.2), dbSNP rs778837386, ClinGen allele CA356896525.

ClinVar aggregate classification (germline): Uncertain significance (1 of 4 stars; one submission).

Conditions:
Hereditary cancer-predisposing syndrome. Also called: Tumor predisposition; Neoplastic Syndromes, Hereditary; Hereditary Cancer Syndrome; Hereditary neoplastic syndrome. Identifiers: Orphanet 140162, MedGen C0027672, MeSH D009386, MONDO:0015356.

Submission:

Ambry Genetics
Classification: Uncertain significance for Hereditary cancer-predisposing syndrome. Last evaluated: 2022-09-05. Review status: criteria provided, single submitter. Criteria: Ambry Variant Classification Scheme 2023. Collection method: clinical testing. Allele origin: germline.
Comment: The p.S1054F variant (also known as c.3161C>T), located in coding exon 22 of the PDGFRA gene, results from a C to T substitution at nucleotide position 3161. The serine at codon 1054 is replaced by phenylalanine, an amino acid with highly dissimilar properties. This amino acid position is conserved. In addition, the in silico prediction for this alteration is inconclusive. Since supporting evidence is limited at this time, the clinical significance of this alteration remains unclear.